The following is an entry in ClinVar:

NM_203447.4(DOCK8):c.4258G>T (p.Asp1420Tyr)

Gene: DOCK8 (dedicator of cytokinesis 8; plus strand). Cytogenetic location: 9p24.3.
Variant type: single nucleotide variant.
Coding change: c.4258G>T on transcript NM_203447.4 (MANE Select); coding-DNA position 4258, G replaced by T.
Protein change: p.Asp1420Tyr; replaces aspartic acid 1420 with tyrosine.
Molecular consequence: missense variant.
Genome position (GRCh38, 1-based): chr9:426,901, G>T. VCF-style: chr9-426901-G-T. GRCh37 (hg19) VCF-style: chr9-426901-G-T.
Other names: c.3958G>T, p.Asp1320Tyr (NM_001190458.2); c.4054G>T, p.Asp1352Tyr (NM_001193536.2); short protein forms D1320Y, D1352Y, D1420Y.
Identifiers: ClinVar variation 1428210 (VCV001428210.6), dbSNP rs1194356099, ClinGen allele CA372765736.

ClinVar aggregate classification (germline): Uncertain significance (1 of 4 stars; one submission).

Conditions:
Combined immunodeficiency due to DOCK8 deficiency (HIES2). Also called: DOCK8 Deficiency; HIES autosomal recessive; Hyper-IgE recurrent infection syndrome, autosomal recessive; HYPER-IgE RECURRENT INFECTION SYNDROME 2, AUTOSOMAL RECESSIVE; HYPER-IgE SYNDROME 2, AUTOSOMAL RECESSIVE, WITH RECURRENT INFECTIONS. Identifiers: Orphanet 217390, MedGen C4722305, MONDO:0009478, OMIM 243700.

Allele frequency attached by ClinVar (database versions not stated): gnomAD exomes below 0.00001; gnomAD 0.00001.
gnomAD v4.1: 5 of 1,613,984 alleles (0.00031%); highest among the groups gnomAD compares: African/African-American, 0.0027%; no homozygotes.

Submission:

Labcorp Genetics (formerly Invitae), Labcorp
Classification: Uncertain significance for Combined immunodeficiency due to DOCK8 deficiency. Last evaluated: 2021-08-12. Review status: criteria provided, single submitter. Criteria: Invitae Variant Classification Sherloc (09022015). Collection method: clinical testing. Allele origin: germline.
Comment: In summary, the available evidence is currently insufficient to determine the role of this variant in disease. Therefore, it has been classified as a Variant of Uncertain Significance. Algorithms developed to predict the effect of missense changes on protein structure and function are either unavailable or do not agree on the potential impact of this missense change (SIFT: "Deleterious"; PolyPhen-2: "Probably Damaging"; Align-GVGD: "Class C15"). This variant is not present in population databases (ExAC no frequency). This sequence change replaces aspartic acid with tyrosine at codon 1420 of the DOCK8 protein (p.Asp1420Tyr). The aspartic acid residue is moderately conserved and there is a large physicochemical difference between aspartic acid and tyrosine. This variant has not been reported in the literature in individuals affected with DOCK8-related conditions.